The following is an entry in ClinVar:

NM_000038.6(APC):c.3921_3924del (p.Ile1307fs)

Gene: APC (APC regulator of Wnt signaling pathway; plus strand). Cytogenetic location: 5q22.2.
Variant type: Deletion.
Coding change: c.3921_3924del on transcript NM_000038.6 (MANE Select); coding-DNA positions 3921 to 3924, 4 bases deleted (AAAA; older notation c.3921_3924delAAAA).
Protein change: p.Ile1307fs; shifts the reading frame from isoleucine 1307.
Molecular consequence: frameshift variant.
Genome position (GRCh38, 1-based): chr5:112,839,515-112,839,518, AAAA deleted. VCF-style (leftmost placement, unchanged base first): chr5-112839514-TAAAA-T. GRCh37 (hg19) VCF-style: chr5-112175211-TAAAA-T.
Other names: c.3921_3924del, p.Ile1307fs (NM_001127510.3, NM_001354895.2); c.3867_3870del, p.Ile1289fs (NM_001127511.3); c.3975_3978del, p.Ile1325fs (NM_001354896.2); c.3951_3954del, p.Ile1317fs (NM_001354897.2); c.3846_3849del, p.Ile1282fs (NM_001354898.2); c.3837_3840del, p.Ile1279fs (NM_001354899.2); c.3798_3801del, p.Ile1266fs (NM_001354900.2); c.3744_3747del, p.Ile1248fs (NM_001354901.2); and 7 more; short protein forms I1024fs, I1147fs, I1279fs, I1181fs, I1206fs, I1216fs, I1307fs, I1317fs.
Identifiers: ClinVar variation 216016 (VCV000216016.13), dbSNP rs863224457, ClinGen allele CA337468.

ClinVar aggregate classification (germline): Pathogenic/Likely pathogenic. Review status: criteria provided, multiple submitters, no conflicts (2 of 4 stars). 4 submissions from 4 submitters: Pathogenic (3); Likely pathogenic (1). Last evaluated 2026-01-18.

Conditions:
Hereditary cancer-predisposing syndrome. Also called: Hereditary Cancer Syndrome; Hereditary neoplastic syndrome; Neoplastic Syndromes, Hereditary; Tumor predisposition. Identifiers: Orphanet 140162, MedGen C0027672, MeSH D009386, MONDO:0015356.
Familial adenomatous polyposis 1 (FAP1). Also called: FAMILIAL ADENOMATOUS POLYPOSIS 1, ATTENUATED; POLYPOSIS, ADENOMATOUS INTESTINAL. Identifiers: MedGen C2713442, MONDO:0021056, OMIM 175100. Disease mechanism: loss of function.

Submissions (4):

Labcorp Genetics (formerly Invitae), Labcorp
Classification: Pathogenic for Familial adenomatous polyposis 1. Last evaluated: 2026-01-18. Review status: criteria provided, single submitter. Criteria: Invitae Variant Classification Sherloc (09022015). Collection method: clinical testing. Allele origin: germline.
Comment: This sequence change creates a premature translational stop signal (p.Ile1307Metfs*13) in the APC gene. While this is not anticipated to result in nonsense mediated decay, it is expected to disrupt the last 1537 amino acid(s) of the APC protein. This variant is not present in population databases (gnomAD no frequency). This premature translational stop signal has been observed in individuals with familial adenomatous polyposis (PMID: 14729851, 19029688, 26163615). ClinVar contains an entry for this variant (Variation ID: 216016). For these reasons, this variant has been classified as Pathogenic.

Quest Diagnostics Nichols Institute San Juan Capistrano
Classification: Likely pathogenic. Last evaluated: 2023-09-12. Review status: criteria provided, single submitter. Criteria: Quest Diagnostics criteria. Collection method: clinical testing. Allele origin: unknown.
Comment: This frameshift variant creates a premature stop codon in the last exon of the APC gene. While this is not expected to trigger nonsense-mediated decay of the affected allele, the resulting disruption of approximately 54% of the coding sequences of the APC gene is predicted to significantly impact protein function. In the published literature, this variant has been reported in individuals and families with FAP (PMIDs: 26163615 (2015), 19029688 (2008), 14729851 (2004)). A similar truncating variant, c.3920_3923del (p.Ile1307Lysfs*13, also known as 3938del4) has also been described as deleterious in a family with FAP (PMID: 9341879 (1997)). The c.3921_3924del (p.Ile1307Metfs*13) variant has not been reported in large, multi-ethnic general populations (Genome Aggregation Database). Based on the available information, this variant is classified as likely pathogenic.

Myriad Genetics, Inc.
Classification: Pathogenic for Familial adenomatous polyposis 1. Last evaluated: 2023-05-09. Review status: criteria provided, single submitter. Criteria: Myriad Autosomal Dominant, Autosomal Recessive and X-Linked Classification Criteria (2023). Collection method: clinical testing. Allele origin: unknown.
Comment: This variant is considered pathogenic. This variant creates a frameshift predicted to result in premature protein truncation.

Ambry Genetics
Classification: Pathogenic for Hereditary cancer-predisposing syndrome. Last evaluated: 2014-12-01. Review status: criteria provided, single submitter. Criteria: Ambry Variant Classification Scheme 2023. Collection method: clinical testing. Allele origin: germline.
Comment: The c.3921_3924delAAAA pathogenic mutation, located in coding exon 15 of the APC gene, results from a deletion of 4 nucleotides between nucleotide positions 3921 and 3924, causing a translational frameshift with a predicted alternate stop codon. In addition to the clinical data presented in the literature, since frameshifts are typically deleterious in nature, this alteration is interpreted as a disease-causing mutation (ACMG Recommendations for Standards for Interpretation and Reporting of Sequence Variations. Revision 2007. Genet Med. 2008;10:294).

Literature cited by the submitters: PubMed 14729851 (cited by Labcorp Genetics (formerly Invitae), Labcorp and Quest Diagnostics Nichols Institute San Juan Capistrano); PubMed 19029688 (cited by Labcorp Genetics (formerly Invitae), Labcorp and Quest Diagnostics Nichols Institute San Juan Capistrano); PubMed 26163615 (cited by Labcorp Genetics (formerly Invitae), Labcorp and Quest Diagnostics Nichols Institute San Juan Capistrano); PubMed 29901124 (cited by Quest Diagnostics Nichols Institute San Juan Capistrano); PubMed 9341879 (cited by Quest Diagnostics Nichols Institute San Juan Capistrano).